The following is an entry in ClinVar:

ClinVar aggregate classification (germline): Uncertain significance (1 of 4 stars; one submission).

Submission:

Labcorp Genetics (formerly Invitae), Labcorp
Classification: Uncertain significance. Last evaluated: 2021-07-17. Review status: criteria provided, single submitter. Criteria: Invitae Variant Classification Sherloc (09022015). Collection method: clinical testing. Allele origin: germline.
Comment: This sequence change replaces glutamine with arginine at codon 287 of the SLC39A7 protein (p.Gln287Arg). The glutamine residue is weakly conserved and there is a small physicochemical difference between glutamine and arginine. This variant is not present in population databases (ExAC no frequency). This variant has not been reported in the literature in individuals affected with SLC39A7-related conditions. Algorithms developed to predict the effect of missense changes on protein structure and function output the following: SIFT: "Tolerated"; PolyPhen-2: "Benign"; Align-GVGD: "Class C0". The arginine amino acid residue is found in multiple mammalian species, which suggests that this missense change does not adversely affect protein function. In summary, the available evidence is currently insufficient to determine the role of this variant in disease. Therefore, it has been classified as a Variant of Uncertain Significance.

NM_006979.3(SLC39A7):c.860A>G (p.Gln287Arg)

Gene: SLC39A7 (solute carrier family 39 member 7; plus strand). Cytogenetic location: 6p21.32.
Variant type: single nucleotide variant.
Coding change: c.860A>G on transcript NM_006979.3 (MANE Select); coding-DNA position 860, A replaced by G.
Protein change: p.Gln287Arg; replaces glutamine 287 with arginine.
Molecular consequence: missense variant.
Genome position (GRCh38, 1-based): chr6:33,202,620, A>G. VCF-style: chr6-33202620-A-G. GRCh37 (hg19) VCF-style: chr6-33170397-A-G.
Other names: c.860A>G, p.Gln287Arg (NM_001077516.2); c.485A>G, p.Gln162Arg (NM_001288777.2); short protein forms Q287R, Q162R.
Identifiers: ClinVar variation 1368055 (VCV001368055.8), dbSNP rs2150685622, ClinGen allele CA363643652.
Genomic context (GRCh38, chr6:33,202,620, plus strand): 5'-AGCGTTCTACCAAGGAGAAGCAGAGCTCAGAGGAAGAAGAAAAGGAAACAAGAGGGGTTC[A>G]GAAGAGGCGAGGAGGGAGCACAGTACCCAAAGATGGGCCAGTGAGACCTCAGAACGCTGA-3'
Protein context (NP_008910.2, residues 277-297): EEEEKETRGV[Gln287Arg]KRRGGSTVPK